The following is an entry in ClinVar:

ClinVar aggregate classification (germline): Conflicting classifications of pathogenicity. Review status: criteria provided, conflicting classifications (1 of 4 stars). 3 submissions from 3 submitters: Uncertain significance (2); Likely benign (1). Last evaluated 2026-05-22.

Conditions:
DYRK1B-related disorder. Also called: DYRK1B-related condition.

Allele frequency attached by ClinVar (database versions not stated): gnomAD 0.00001; TOPMed 0.00001; gnomAD exomes 0.00003; ExAC 0.00004.

Submissions (3):

PreventionGenetics, part of Exact Sciences
Classification: Uncertain significance for DYRK1B-related condition. Last evaluated: 2026-05-22. Review status: criteria provided, single submitter. Criteria: ACMG Guidelines, 2015. Collection method: clinical testing. Allele origin: germline.
Comment: The DYRK1B c.1535C>T variant is predicted to result in the amino acid substitution p.Pro512Leu. To our knowledge, this variant has not been reported in the literature. This variant is reported in 0.027% of alleles in individuals of South Asian descent in gnomAD. Although we suspect that this variant may be benign, at this time, the clinical significance of this variant is uncertain due to the absence of conclusive functional and genetic evidence.

Labcorp Genetics (formerly Invitae), Labcorp
Classification: Uncertain significance. Last evaluated: 2024-07-02. Review status: criteria provided, single submitter. Criteria: Invitae Variant Classification Sherloc (09022015). Collection method: clinical testing. Allele origin: germline.
Comment: This sequence change replaces proline, which is neutral and non-polar, with leucine, which is neutral and non-polar, at codon 512 of the DYRK1B protein (p.Pro512Leu). This variant is present in population databases (rs754003114, gnomAD 0.03%). This variant has not been reported in the literature in individuals affected with DYRK1B-related conditions. Advanced modeling of protein sequence and biophysical properties (such as structural, functional, and spatial information, amino acid conservation, physicochemical variation, residue mobility, and thermodynamic stability) performed at Invitae indicates that this missense variant is not expected to disrupt DYRK1B protein function with a negative predictive value of 95%. In summary, the available evidence is currently insufficient to determine the role of this variant in disease. Therefore, it has been classified as a Variant of Uncertain Significance.

Blueprint Genetics
Classification: Likely benign. Last evaluated: 2024-05-08. Review status: criteria provided, single submitter. Criteria: ACMG Guidelines, 2015. Collection method: clinical testing. Allele origin: germline.

NM_004714.3(DYRK1B):c.1535C>T (p.Pro512Leu)

Gene: DYRK1B (dual specificity tyrosine phosphorylation regulated kinase 1B; minus strand). Cytogenetic location: 19q13.2.
Variant type: single nucleotide variant.
Coding change: c.1535C>T on transcript NM_004714.3 (MANE Select); coding-DNA position 1535, C replaced by T.
Protein change: p.Pro512Leu; replaces proline 512 with leucine.
Molecular consequence: missense variant.
Genome position (GRCh38, 1-based): chr19:39,826,070, G>A on the plus strand (C>T on the coding strand, the complement: DYRK1B is on the minus strand). VCF-style: chr19-39826070-G-A. GRCh37 (hg19) VCF-style: chr19-40316710-G-A.
Other names: c.1535C>T (NM_004714.2); c.1415C>T, p.Pro472Leu (NM_006483.3); c.1451C>T, p.Pro484Leu (NM_006484.3); short protein forms P472L, P512L, P484L.
Identifiers: ClinVar variation 2965754 (VCV002965754.5), dbSNP rs754003114, ClinGen allele CA9433985.